The following is an entry in ClinVar:

NM_170743.4(IFNLR1):c.194G>A (p.Arg65His)

Gene: IFNLR1 (interferon lambda receptor 1; minus strand). Cytogenetic location: 1p36.11.
Variant type: single nucleotide variant.
Coding change: c.194G>A on transcript NM_170743.4 (MANE Select); coding-DNA position 194, G replaced by A.
Protein change: p.Arg65His; replaces arginine 65 with histidine.
Molecular consequence: missense variant.
Genome position (GRCh38, 1-based): chr1:24,169,590, C>T on the plus strand (G>A on the coding strand, the complement: IFNLR1 is on the minus strand). VCF-style: chr1-24169590-C-T. GRCh37 (hg19) VCF-style: chr1-24496080-C-T.
Other names: c.194G>A, p.Arg65His (NM_173064.3, NM_173065.3); short protein forms R65H.
Identifiers: ClinVar variation 2403087 (VCV002403087.3), dbSNP rs562243702, ClinGen allele CA689673.

ClinVar aggregate classification (germline): Uncertain significance. Review status: criteria provided, multiple submitters, no conflicts (2 of 4 stars). 2 submissions from 2 submitters: Uncertain significance (2). Last evaluated 2025-03-19.

Conditions:
IFNLR1-related disorder. Also called: IFNLR1-related condition.

Allele frequency attached by ClinVar (database versions not stated): gnomAD 0.00001; gnomAD exomes 0.00001; ExAC 0.00002; 1000 Genomes Project 30x 0.00016; 1000 Genomes Project 0.00020.
gnomAD v4.1: 16 of 1,613,150 alleles (0.00099%); highest among the groups gnomAD compares: East Asian, 0.0067%; no homozygotes.

Submissions (2):

PreventionGenetics, part of Exact Sciences
Classification: Uncertain significance for IFNLR1-related condition. Last evaluated: 2025-03-19. Review status: criteria provided, single submitter. Criteria: ACMG Guidelines, 2015. Collection method: clinical testing. Allele origin: germline.
Comment: The IFNLR1 c.194G>A variant is predicted to result in the amino acid substitution p.Arg65His. To our knowledge, this variant has not been reported in the literature. This variant is reported in 0.0058% of alleles in individuals of Latino descent in gnomAD. At this time, the clinical significance of this variant is uncertain due to the absence of conclusive functional and genetic evidence.

Ambry Genetics
Classification: Uncertain significance. Last evaluated: 2022-08-26. Review status: criteria provided, single submitter. Criteria: Ambry Variant Classification Scheme 2023. Collection method: clinical testing. Allele origin: germline.